The following is an entry in ClinVar:

Single allele

Genes: CLCNKB (chloride voltage-gated channel Kb; plus strand), LOC106501713 (CLCNKB recombination region; plus strand). Cytogenetic location: 1p36.13.
Variant type: Deletion.
Identifiers: ClinVar variation 4686630 (VCV004686630.1).

ClinVar aggregate classification (germline): Uncertain significance (1 of 4 stars; one submission).

Conditions:
Bartter disease type 3. Also called: Bartter syndrome type 3. Identifiers: Orphanet 112, Orphanet 93605, MedGen C1846343, MONDO:0011822, OMIM 607364.

Submission:

Kasturba Medical College, Manipal, Kasturba Medical College, Manipal, Manipal Academy of Higher Education, Manipal, India
Classification: Uncertain significance for Bartter disease type 3. Last evaluated: 2026-01-19. Review status: criteria provided, single submitter. Criteria: ACMG/ClinGen CNV Guidelines, 2019. Collection method: research. Allele origin: germline. Inheritance: Autosomal recessive inheritance. Affected: yes.
Comment: However, further validation and segregation of CNV is recommended.